The following is an entry in ClinVar:

NM_031433.4(MFRP):c.47C>T (p.Ser16Leu)

Genes: C1QTNF5 (C1q and TNF related 5; minus strand), MFRP (membrane frizzled-related protein; minus strand). Cytogenetic location: 11q23.3.
Variant type: single nucleotide variant.
Coding change: c.47C>T on transcript NM_031433.4 (MANE Select); coding-DNA position 47, C replaced by T.
Protein change: p.Ser16Leu; replaces serine 16 with leucine.
Molecular consequence: missense variant. On other transcripts: 5 prime UTR variant (1).
Genome position (GRCh38, 1-based): chr11:119,346,467, G>A on the plus strand (C>T on the coding strand, the complement: MFRP is on the minus strand). VCF-style: chr11-119346467-G-A. GRCh37 (hg19) VCF-style: chr11-119217177-G-A.
Other names: c.-2590C>T (NM_015645.5); short protein forms S16L.
Identifiers: ClinVar variation 2104298 (VCV002104298.4), dbSNP rs778631413, ClinGen allele CA6320736.

ClinVar aggregate classification (germline): Uncertain significance (1 of 4 stars; one submission).

Conditions:
Isolated microphthalmia 5. Also called: Posterior Microphthalmia with Retinitis Pigmentosa, Foveoschisis, and Optic Disc Drusen. Identifiers: Orphanet 251279, MedGen C1970236, MONDO:0012605, OMIM 611040.

Allele frequency attached by ClinVar (database versions not stated): ExAC 0.00002.
gnomAD v4.1: 15 of 1,614,020 alleles (0.00093%); highest among the groups gnomAD compares: Middle Eastern, 0.016%; no homozygotes.

Submission:

Labcorp Genetics (formerly Invitae), Labcorp
Classification: Uncertain significance for Isolated microphthalmia 5. Last evaluated: 2024-05-20. Review status: criteria provided, single submitter. Criteria: Invitae Variant Classification Sherloc (09022015). Collection method: clinical testing. Allele origin: germline.
Comment: This sequence change replaces serine, which is neutral and polar, with leucine, which is neutral and non-polar, at codon 16 of the MFRP protein (p.Ser16Leu). This variant is present in population databases (rs778631413, gnomAD 0.003%). This variant has not been reported in the literature in individuals affected with MFRP-related conditions. ClinVar contains an entry for this variant (Variation ID: 2104298). Advanced modeling of protein sequence and biophysical properties (such as structural, functional, and spatial information, amino acid conservation, physicochemical variation, residue mobility, and thermodynamic stability) performed at Invitae indicates that this missense variant is not expected to disrupt MFRP protein function with a negative predictive value of 80%. In summary, the available evidence is currently insufficient to determine the role of this variant in disease. Therefore, it has been classified as a Variant of Uncertain Significance.